The following is an entry in ClinVar:

NM_004211.5(SLC6A5):c.1311C>T (p.Leu437=)

Gene: SLC6A5 (solute carrier family 6 member 5; plus strand). Cytogenetic location: 11p15.1.
Variant type: single nucleotide variant.
Coding change: c.1311C>T on transcript NM_004211.5 (MANE Select); coding-DNA position 1311, C replaced by T.
Protein change: p.Leu437=; no amino-acid change (leucine 437 retained).
Molecular consequence: synonymous variant.
Genome position (GRCh38, 1-based): chr11:20,626,758, C>T. VCF-style: chr11-20626758-C-T. GRCh37 (hg19) VCF-style: chr11-20648304-C-T.
Other names: c.609C>T, p.Leu203= (NM_001318369.2); c.1311C>T (NM_004211.4).
Identifiers: ClinVar variation 3018001 (VCV003018001.5), dbSNP rs777020439, ClinGen allele CA5921403.

ClinVar aggregate classification (germline): Likely benign. Review status: criteria provided, single submitter (1 of 4 stars). 2 submissions from 2 submitters: Likely benign (1). 1 of the submissions does not count toward it. Last evaluated 2023-07-27.

Conditions:
Hyperekplexia 3 (HKPX3). Also called: HYPEREKPLEXIA 3, AUTOSOMAL RECESSIVE; HYPEREKPLEXIA 3, AUTOSOMAL DOMINANT. Identifiers: Orphanet 3197, MedGen C3553288, MONDO:0013827, OMIM 614618.
SLC6A5-related disorder. Also called: SLC6A5-related condition.

Allele frequency attached by ClinVar (database versions not stated): gnomAD exomes below 0.00001; ExAC 0.00001.
gnomAD v4.1: 1 of 1,614,086 alleles (0.000062%); highest among the groups gnomAD compares: Non-Finnish European, 0.000085%; no homozygotes.

Submissions (2):

Labcorp Genetics (formerly Invitae), Labcorp
Classification: Likely benign for Hyperekplexia 3. Last evaluated: 2023-07-27. Review status: criteria provided, single submitter. Criteria: Invitae Variant Classification Sherloc (09022015). Collection method: clinical testing. Allele origin: germline.

PreventionGenetics, part of Exact Sciences
Classification: Likely benign for SLC6A5-related condition. Last evaluated: 2019-04-09. Review status: no assertion criteria provided. Collection method: clinical testing. Allele origin: germline. Not counted in ClinVar's aggregate classification.
Comment: This variant is classified as likely benign based on ACMG/AMP sequence variant interpretation guidelines (Richards et al. 2015 PMID: 25741868, with internal and published modifications).